The following is an entry in ClinVar:

NM_015374.3(SUN2):c.617G>T (p.Arg206Leu)

Gene: SUN2 (Sad1 and UNC84 domain containing 2; minus strand). Cytogenetic location: 22q13.1.
Variant type: single nucleotide variant.
Coding change: c.617G>T on transcript NM_015374.3 (MANE Select); coding-DNA position 617, G replaced by T.
Protein change: p.Arg206Leu; replaces arginine 206 with leucine.
Molecular consequence: missense variant. On other transcripts: intron variant (2).
Genome position (GRCh38, 1-based): chr22:38,748,781, C>A on the plus strand (G>T on the coding strand, the complement: SUN2 is on the minus strand). VCF-style: chr22-38748781-C-A. GRCh37 (hg19) VCF-style: chr22-39144786-C-A.
Other names: c.680G>T, p.Arg227Leu (NM_001199579.2, NM_001394428.1); c.617G>T, p.Arg206Leu (NM_001199580.2, NM_001394427.1, NM_001394431.1 and 7 more transcripts); c.662G>T, p.Arg221Leu (NM_001394429.1, NM_001394430.1); c.527G>T, p.Arg176Leu (NM_001394438.1); c.479G>T, p.Arg160Leu (NM_001394439.1, NM_001394440.1, NM_001394441.1); c.125G>T, p.Arg42Leu (NM_001394443.1); c.614+985G>T (NM_001394444.1, NM_001394445.1); short protein forms R160L, R42L, R206L, R221L, R227L, R176L.
Identifiers: ClinVar variation 1413866 (VCV001413866.6), dbSNP rs568825133, ClinGen allele CA10235834.

ClinVar aggregate classification (germline): Uncertain significance (1 of 4 stars; one submission).

Conditions:
Emery-Dreifuss muscular dystrophy (EDMD). Also called: Scapuloperoneal syndrome, X-linked (formerly); Humeroperoneal neuromuscular disease, (formerly). Identifiers: Orphanet 261, MedGen C0410189, MONDO:0016830.

gnomAD v4.1: 10 of 1,614,076 alleles (0.00062%); highest among the groups gnomAD compares: South Asian, 0.0011%; no homozygotes.

Submission:

Labcorp Genetics (formerly Invitae), Labcorp
Classification: Uncertain significance for Emery-Dreifuss muscular dystrophy. Last evaluated: 2021-09-23. Review status: criteria provided, single submitter. Criteria: Invitae Variant Classification Sherloc (09022015). Collection method: clinical testing. Allele origin: germline.
Comment: In summary, the available evidence is currently insufficient to determine the role of this variant in disease. Therefore, it has been classified as a Variant of Uncertain Significance. Algorithms developed to predict the effect of missense changes on protein structure and function are either unavailable or do not agree on the potential impact of this missense change (SIFT: "Tolerated"; PolyPhen-2: "Possibly Damaging"; Align-GVGD: "Class C0"). This variant has not been reported in the literature in individuals affected with SUN2-related conditions. This variant is present in population databases (rs568825133, ExAC 0.002%). This sequence change replaces arginine with leucine at codon 206 of the SUN2 protein (p.Arg206Leu). The arginine residue is weakly conserved and there is a moderate physicochemical difference between arginine and leucine.